The following is an entry in ClinVar:

ClinVar aggregate classification (germline): Uncertain significance (1 of 4 stars; one submission).

Conditions:
Methylcobalamin deficiency type cblG (HMAG). Also called: HOMOCYSTINURIA-MEGALOBLASTIC ANEMIA, cblG TYPE; HOMOCYSTINURIA-MEGALOBLASTIC ANEMIA DUE TO DEFECT IN COBALAMIN METABOLISM, cblG COMPLEMENTATION TYPE; HOMOCYSTINURIA-MEGALOBLASTIC ANEMIA, cblG COMPLEMENTATION TYPE; Functional methionine synthase deficiency type cblG. Identifiers: Orphanet 2170, Orphanet 622, MedGen C1855128, MONDO:0009609, OMIM 250940.

Allele frequency attached by ClinVar (database versions not stated): gnomAD exomes below 0.00001; TOPMed 0.00001.
gnomAD v4.1: 6 of 1,614,038 alleles (0.00037%); highest among the groups gnomAD compares: Non-Finnish European, 0.00051%; no homozygotes.

Submission:

Labcorp Genetics (formerly Invitae), Labcorp
Classification: Uncertain significance for Methylcobalamin deficiency type cblG. Last evaluated: 2024-05-08. Review status: criteria provided, single submitter. Criteria: Invitae Variant Classification Sherloc (09022015). Collection method: clinical testing. Allele origin: germline.
Comment: This sequence change replaces aspartic acid, which is acidic and polar, with asparagine, which is neutral and polar, at codon 783 of the MTR protein (p.Asp783Asn). This variant is present in population databases (no rsID available, gnomAD 0.0009%). This variant has not been reported in the literature in individuals affected with MTR-related conditions. Advanced modeling of protein sequence and biophysical properties (such as structural, functional, and spatial information, amino acid conservation, physicochemical variation, residue mobility, and thermodynamic stability) performed at Invitae indicates that this missense variant is expected to disrupt MTR protein function with a positive predictive value of 80%. In summary, the available evidence is currently insufficient to determine the role of this variant in disease. Therefore, it has been classified as a Variant of Uncertain Significance.

NM_000254.3(MTR):c.2347G>A (p.Asp783Asn)

Gene: MTR (5-methyltetrahydrofolate-homocysteine methyltransferase; plus strand). Cytogenetic location: 1q43.
Variant type: single nucleotide variant.
Coding change: c.2347G>A on transcript NM_000254.3 (MANE Select); coding-DNA position 2347, G replaced by A.
Protein change: p.Asp783Asn; replaces aspartic acid 783 with asparagine.
Molecular consequence: missense variant.
Genome position (GRCh38, 1-based): chr1:236,863,496, G>A. VCF-style: chr1-236863496-G-A. GRCh37 (hg19) VCF-style: chr1-237026796-G-A.
Other names: c.2194G>A, p.Asp732Asn (NM_001291939.1); c.1126G>A, p.Asp376Asn (NM_001291940.2); c.2347G>A, p.Asp783Asn (NM_001410942.1); short protein forms D376N, D732N, D783N.
Identifiers: ClinVar variation 3009893 (VCV003009893.3), dbSNP rs1376758701, ClinGen allele CA345378974.